The following is an entry in ClinVar:

NM_001008537.3(NEXMIF):c.3850G>A (p.Ala1284Thr)

Gene: NEXMIF (neurite extension and migration factor; minus strand). Cytogenetic location: Xq13.3.
Variant type: single nucleotide variant.
Coding change: c.3850G>A on transcript NM_001008537.3 (MANE Select); coding-DNA position 3850, G replaced by A.
Protein change: p.Ala1284Thr; replaces alanine 1284 with threonine.
Molecular consequence: missense variant.
Genome position (GRCh38, 1-based): chrX:74,740,707, C>T on the plus strand (G>A on the coding strand, the complement: NEXMIF is on the minus strand). VCF-style: chrX-74740707-C-T. GRCh37 (hg19) VCF-style: chrX-73960542-C-T.
Other names: short protein forms A1284T.
Identifiers: ClinVar variation 1949085 (VCV001949085.5), dbSNP rs780020518, ClinGen allele CA10454899.
Genomic context (GRCh38, chrX:74,740,707, plus strand): 5'-TGTTGGTGTTGGTGCCCATGCTCATATCACTCCAGCCTGGGCTGCTCTCCTTCCCCAAGG[C>T]CCAATCTCCAGAAAGTCCCTTTTGACTTGGCATCTTCATAGAGGCCATAGGGCCACCATG-3'
Protein context (NP_001008537.1, residues 1274-1294): PSQKGLSGDW[Ala1284Thr]LGKESSPGWS

ClinVar aggregate classification (germline): Uncertain significance (1 of 4 stars; one submission).

Allele frequency attached by ClinVar (database versions not stated): TOPMed below 0.00001; ExAC 0.00001.

Submission:

Labcorp Genetics (formerly Invitae), Labcorp
Classification: Uncertain significance. Last evaluated: 2023-04-09. Review status: criteria provided, single submitter. Criteria: Invitae Variant Classification Sherloc (09022015). Collection method: clinical testing. Allele origin: germline.
Comment: This variant is not present in population databases (gnomAD no frequency). In summary, the available evidence is currently insufficient to determine the role of this variant in disease. Therefore, it has been classified as a Variant of Uncertain Significance. Algorithms developed to predict the effect of missense changes on protein structure and function output the following: SIFT: "Not Available"; PolyPhen-2: "Benign"; Align-GVGD: "Not Available". The threonine amino acid residue is found in multiple mammalian species, which suggests that this missense change does not adversely affect protein function. ClinVar contains an entry for this variant (Variation ID: 1949085). This variant has not been reported in the literature in individuals affected with NEXMIF-related conditions. This sequence change replaces alanine, which is neutral and non-polar, with threonine, which is neutral and polar, at codon 1284 of the NEXMIF protein (p.Ala1284Thr).